The following is an entry in ClinVar:

NM_001270508.2(TNFAIP3):c.1089G>A (p.Gly363=)

Gene: TNFAIP3 (TNF alpha induced protein 3; plus strand). Cytogenetic location: 6q23.3.
Variant type: single nucleotide variant.
Coding change: c.1089G>A on transcript NM_001270508.2 (MANE Select); coding-DNA position 1089, G replaced by A.
Protein change: p.Gly363=; no amino-acid change (glycine 363 retained).
Molecular consequence: synonymous variant.
Genome position (GRCh38, 1-based): chr6:137,878,534, G>A. VCF-style: chr6-137878534-G-A. GRCh37 (hg19) VCF-style: chr6-138199671-G-A.
Other names: c.1089G>A, p.Gly363= (NM_001270507.2, NM_006290.4).
Identifiers: ClinVar variation 1642757 (VCV001642757.15), dbSNP rs201483159, ClinGen allele CA4019572.
Genomic context (GRCh38, chr6:137,878,534, plus strand): 5'-TGATTACTTTGAACTTGTTCAGCATGAGTACAAGAAATGGCAGGAAAACAGCGAGCAGGG[G>A]AGGAGAGAGGGGCACGCCCAGAATCCCATGGAACCTTCCGTGCCCCAGCTTTCTCTCATG-3'
Protein context (NP_001257437.1, residues 353-373): YKKWQENSEQ[Gly363=]RREGHAQNPM

ClinVar aggregate classification (germline): Benign. Review status: criteria provided, multiple submitters, no conflicts (2 of 4 stars). 2 submissions from 2 submitters: Benign (2). Last evaluated 2025-12-08.

Allele frequency attached by ClinVar (database versions not stated): gnomAD 0.00001 and 0.00038; TOPMed 0.00006; gnomAD exomes 0.00066 and 0.00150; ExAC 0.00161; 1000 Genomes Project 30x 0.00187; 1000 Genomes Project 0.00200.
gnomAD v4.1: 1,024 of 1,614,254 alleles (0.063%); highest among the groups gnomAD compares: South Asian, 1.1%; 15 homozygotes.

Submissions (2):

Labcorp Genetics (formerly Invitae), Labcorp
Classification: Benign. Last evaluated: 2025-12-08. Review status: criteria provided, single submitter. Criteria: Invitae Variant Classification Sherloc (09022015). Collection method: clinical testing. Allele origin: germline.

CeGaT Center for Human Genetics Tuebingen
Classification: Benign. Last evaluated: 2025-03-01. Review status: criteria provided, single submitter. Criteria: CeGaT Center For Human Genetics Tuebingen Variant Classification Criteria Version 2. Collection method: clinical testing. Allele origin: germline. Affected: yes. Observed: 1 variant allele.
Comment: TNFAIP3: BP4, BP7, BS1, BS2